The following is an entry in ClinVar:

NM_003200.5(TCF3):c.955+4T>C

Gene: TCF3 (transcription factor 3; minus strand). Cytogenetic location: 19p13.3.
Variant type: single nucleotide variant.
Coding change: c.955+4T>C on transcript NM_003200.5 (MANE Select); 4 bases into the intron after coding-DNA position 955, T replaced by C.
Molecular consequence: intron variant.
Genome position (GRCh38, 1-based): chr19:1,621,834, A>G on the plus strand (T>C on the coding strand, the complement: TCF3 is on the minus strand). VCF-style: chr19-1621834-A-G. GRCh37 (hg19) VCF-style: chr19-1621833-A-G.
Other names: c.955+4T>C (NM_001351778.2, NM_001136139.4, NM_001351779.2).
Identifiers: ClinVar variation 4751788 (VCV004751788.1).
Genomic context (GRCh38, chr19:1,621,834, plus strand): 5'-ACCCAGACCCTGCCTGGAGCCCAGTGTCCCCTCGGAGAGGCCGCATCCCAGGGAGGGGCC[A>G]TACCCAGGAGGCTGTCGGCCCCGCTGACAGGCGGCGTGTGGCTGGAGACGCCGCCGTACG-3'

ClinVar aggregate classification (germline): Uncertain significance (1 of 4 stars; one submission).

gnomAD v4.1: 42 of 1,585,014 alleles (0.0026%); highest among the groups gnomAD compares: African/African-American, 0.038%; no homozygotes.

Submission:

Labcorp Genetics (formerly Invitae), Labcorp
Classification: Uncertain significance. Last evaluated: 2025-09-08. Review status: criteria provided, single submitter. Criteria: Invitae Variant Classification Sherloc (09022015). Collection method: clinical testing. Allele origin: germline.
Comment: This sequence change falls in intron 11 of the TCF3 gene. It does not directly change the encoded amino acid sequence of the TCF3 protein. It affects a nucleotide within the consensus splice site. This variant is present in population databases (rs373284557, gnomAD 0.06%). This variant has not been reported in the literature in individuals affected with TCF3-related conditions. Variants that disrupt the consensus splice site are a relatively common cause of aberrant splicing (PMID: 17576681, 9536098). Algorithms developed to predict the effect of sequence changes on RNA splicing suggest that this variant is not likely to affect RNA splicing. In summary, the available evidence is currently insufficient to determine the role of this variant in disease. Therefore, it has been classified as a Variant of Uncertain Significance.

Literature cited by the submitters: PubMed 17576681; PubMed 9536098.